The following is an entry in ClinVar:

NM_002878.4(RAD51D):c.739G>A (p.Val247Met)

Genes: RAD51L3-RFFL (RAD51L3-RFFL readthrough; minus strand), RAD51D (RAD51 paralog D; minus strand). Cytogenetic location: 17q12.
Variant type: single nucleotide variant.
Coding change: c.739G>A on transcript NM_002878.4 (MANE Select); coding-DNA position 739, G replaced by A.
Protein change: p.Val247Met; replaces valine 247 with methionine.
Molecular consequence: missense variant. On other transcripts: non-coding transcript variant (3).
Genome position (GRCh38, 1-based): chr17:35,101,365, C>T on the plus strand (G>A on the coding strand, the complement: RAD51D is on the minus strand). VCF-style: chr17-35101365-C-T. GRCh37 (hg19) VCF-style: chr17-33428384-C-T.
Other names: c.799G>A, p.Val267Met (NM_001142571.2); c.403G>A, p.Val135Met (NM_133629.3); short protein forms V135M, V267M, V247M.
Identifiers: ClinVar variation 846591 (VCV000846591.7), dbSNP rs1060502952, ClinGen allele CA399086993.
Genomic context (GRCh38, chr17:35,101,365, plus strand): 5'-AGCGTCCGAGGGCAGGTTTGAGCCTCCCGCTGTCCCTGTCTCGAGTTATGTGGTTGGTCA[C>T]CTGCAGCAGAAACAGACTTACAGATCCATAATGCTAGTATAGAGGACATCGATTACTACC-3'
Protein context (NP_002869.3, residues 237-257): LARDLGMAVV[Val247Met]TNHITRDRDS

ClinVar aggregate classification (germline): Uncertain significance. Review status: criteria provided, multiple submitters, no conflicts (2 of 4 stars). 2 submissions from 2 submitters: Uncertain significance (2). Last evaluated 2025-04-13.

Conditions:
Hereditary cancer-predisposing syndrome. Also called: Tumor predisposition; Hereditary neoplastic syndrome; Neoplastic Syndromes, Hereditary; Hereditary Cancer Syndrome. Identifiers: Orphanet 140162, MedGen C0027672, MeSH D009386, MONDO:0015356.
Breast-ovarian cancer, familial, susceptibility to, 4. Identifiers: Orphanet 145, MedGen C3280345, MONDO:0013669, OMIM 614291.

Submissions (2):

Ambry Genetics
Classification: Uncertain significance for Hereditary cancer-predisposing syndrome. Last evaluated: 2025-04-13. Review status: criteria provided, single submitter. Criteria: Ambry Variant Classification Scheme 2023. Collection method: clinical testing. Allele origin: germline.
Comment: The p.V247M variant (also known as c.739G>A) is located in coding exon 9 of the RAD51D gene. The valine at codon 247 is replaced by methionine, an amino acid with highly similar properties. This change occurs in the first base pair of coding exon 9. This amino acid position is conserved. In addition, the in silico prediction for this alteration is inconclusive. Based on the available evidence, the clinical significance of this variant remains unclear.

Labcorp Genetics (formerly Invitae), Labcorp
Classification: Uncertain significance for Breast-ovarian cancer, familial, susceptibility to, 4. Last evaluated: 2023-06-14. Review status: criteria provided, single submitter. Criteria: Invitae Variant Classification Sherloc (09022015). Collection method: clinical testing. Allele origin: germline.
Comment: In summary, the available evidence is currently insufficient to determine the role of this variant in disease. Therefore, it has been classified as a Variant of Uncertain Significance. Algorithms developed to predict the effect of sequence changes on RNA splicing suggest that this variant may create or strengthen a splice site. An algorithm developed to predict the effect of missense changes on protein structure and function (PolyPhen-2) suggests that this variant is likely to be disruptive. ClinVar contains an entry for this variant (Variation ID: 846591). This variant has not been reported in the literature in individuals affected with RAD51D-related conditions. This variant is not present in population databases (gnomAD no frequency). This sequence change replaces valine, which is neutral and non-polar, with methionine, which is neutral and non-polar, at codon 247 of the RAD51D protein (p.Val247Met).